The following is an entry in ClinVar:

NM_000077.5(CDKN2A):c.128G>C (p.Ser43Thr)

Gene: CDKN2A (cyclin dependent kinase inhibitor 2A; minus strand). Cytogenetic location: 9p21.3.
Variant type: single nucleotide variant.
Coding change: c.128G>C on transcript NM_000077.5; coding-DNA position 128, G replaced by C.
Protein change: p.Ser43Thr; replaces serine 43 with threonine.
Molecular consequence: missense variant (on NM_000077.6). On other transcripts: intron variant (2).
Genome position (GRCh38, 1-based): chr9:21,974,700, C>G on the plus strand (G>C on the coding strand, the complement: CDKN2A is on the minus strand). VCF-style: chr9-21974700-C-G. GRCh37 (hg19) VCF-style: chr9-21974699-C-G.
Other names: c.128G>C, p.Ser43Thr (NM_000077.6, NM_001195132.2, NM_058197.5); c.-3-3492G>C (NM_001363763.2); c.194-3492G>C (NM_058195.4); short protein forms S43T.
Identifiers: ClinVar variation 569634 (VCV000569634.9), dbSNP rs761079352, ClinGen allele CA373086517.

ClinVar aggregate classification (germline): Uncertain significance. Review status: criteria provided, multiple submitters, no conflicts (2 of 4 stars). 2 submissions from 2 submitters: Uncertain significance (2). Last evaluated 2024-12-26.

Conditions:
Hereditary cancer-predisposing syndrome. Also called: Hereditary neoplastic syndrome; Neoplastic Syndromes, Hereditary; Hereditary Cancer Syndrome; Tumor predisposition. Identifiers: Orphanet 140162, MedGen C0027672, MeSH D009386, MONDO:0015356.
Familial melanoma. Also called: Hereditary melanoma; Hereditary cutaneous melanoma. Identifiers: Orphanet 618, MedGen C1512419, MONDO:0018961.

Submissions (2):

Ambry Genetics
Classification: Uncertain significance for Hereditary cancer-predisposing syndrome. Last evaluated: 2024-12-26. Review status: criteria provided, single submitter. Criteria: Ambry Variant Classification Scheme 2023. Collection method: clinical testing. Allele origin: germline.
Comment: The p.S43T variant (also known as c.128G>C), located in coding exon 1 of the CDKN2A gene, results from a G to C substitution at nucleotide position 128. The serine at codon 43 is replaced by threonine, an amino acid with similar properties. This amino acid position is poorly conserved in available vertebrate species. In addition, this alteration is predicted to be tolerated by in silico analysis. Based on the available evidence, the clinical significance of this variant remains unclear.

Labcorp Genetics (formerly Invitae), Labcorp
Classification: Uncertain significance for Familial melanoma. Last evaluated: 2022-07-26. Review status: criteria provided, single submitter. Criteria: Invitae Variant Classification Sherloc (09022015). Collection method: clinical testing. Allele origin: germline.
Comment: In summary, the available evidence is currently insufficient to determine the role of this variant in disease. Therefore, it has been classified as a Variant of Uncertain Significance. Algorithms developed to predict the effect of missense changes on protein structure and function (SIFT, PolyPhen-2, Align-GVGD) all suggest that this variant is likely to be tolerated. ClinVar contains an entry for this variant (Variation ID: 569634). This variant has not been reported in the literature in individuals affected with CDKN2A (p16INK4a)-related conditions. This variant is not present in population databases (gnomAD no frequency). This sequence change replaces serine, which is neutral and polar, with threonine, which is neutral and polar, at codon 43 of the CDKN2A (p16INK4a) protein (p.Ser43Thr).